The following is an entry in ClinVar:

NM_000552.5(VWF):c.3388_3390dup (p.Cys1130_Glu1131insCys)

Gene: VWF (von Willebrand factor; minus strand). Cytogenetic location: 12p13.31.
Variant type: Duplication.
Coding change: c.3388_3390dup on transcript NM_000552.5 (MANE Select); coding-DNA positions 3388 to 3390, 3 bases duplicated (TGC; older notation c.3388_3390dupTGC).
Protein change: p.Cys1130_Glu1131insCys.
Genome position (GRCh38, 1-based): chr12:6,022,888-6,022,890, GCA duplicated on the plus strand (TGC on the coding strand, the reverse complement: VWF is on the minus strand); duplicating any 3 consecutive bases within chr12:6,022,888-6,022,892 gives the same sequence; the c. name uses the placement nearest the transcript's 3' end. VCF-style (leftmost placement, unchanged base first): chr12-6022887-C-CGCA. GRCh37 (hg19) VCF-style: chr12-6132053-C-CGCA.
Identifiers: ClinVar variation 4087942 (VCV004087942.1).

ClinVar aggregate classification (germline): Uncertain significance (1 of 4 stars; one submission).

Submission:

GeneDx
Classification: Uncertain significance. Last evaluated: 2025-03-27. Review status: criteria provided, single submitter. Criteria: GeneDx Variant Classification Process June 2021. Collection method: clinical testing. Allele origin: germline. Affected: yes.
Comment: Not observed at significant frequency in large population cohorts (gnomAD); In-frame duplication of 1 amino acid in a non-repeat region; Has not been previously published as pathogenic or benign to our knowledge